The following is an entry in ClinVar:

NM_016286.4(DCXR):c.634G>A (p.Val212Ile)

Gene: DCXR (dicarbonyl and L-xylulose reductase; minus strand). Cytogenetic location: 17q25.3.
Variant type: single nucleotide variant.
Coding change: c.634G>A on transcript NM_016286.4 (MANE Select); coding-DNA position 634, G replaced by A.
Protein change: p.Val212Ile; replaces valine 212 with isoleucine.
Molecular consequence: missense variant.
Genome position (GRCh38, 1-based): chr17:82,036,061, C>T on the plus strand (G>A on the coding strand, the complement: DCXR is on the minus strand). VCF-style: chr17-82036061-C-T. GRCh37 (hg19) VCF-style: chr17-79993937-C-T.
Other names: c.628G>A, p.Val210Ile (NM_001195218.1); short protein forms V210I, V212I.
Identifiers: ClinVar variation 3040332 (VCV003040332.2), dbSNP rs144807548, ClinGen allele CA8848541.
Genomic context (GRCh38, chr17:82,036,061, plus strand): 5'-CCGTGGTCATGCCACTTCGGTCACTCAGCAGAAAGAGGATGGCGTTCACCACGTGCTCTA[C>T]CTCTGTGGGCAGGGCGGGGGTCAGGGGCATAGAGGAAGGAGGCTGCCGCCCATCTTTCCC-3'
Protein context (NP_057370.1, residues 202-222): NRIPLGKFAE[Val212Ile]EHVVNAILFL

ClinVar aggregate classification (germline): Likely benign (0 of 4 stars; one submission).

Conditions:
DCXR-related disorder. Also called: DCXR-related condition.

Allele frequency attached by ClinVar (database versions not stated): gnomAD exomes 0.00007; ESP Exome Variant Server 0.00008; TOPMed 0.00022; gnomAD 0.00024; ExAC 0.00030; 1000 Genomes Project 30x 0.00047; 1000 Genomes Project 0.00060.

Submission:

PreventionGenetics, part of Exact Sciences
Classification: Likely benign for DCXR-related condition. Last evaluated: 2022-04-15. Review status: no assertion criteria provided. Collection method: clinical testing. Allele origin: germline.
Comment: This variant is classified as likely benign based on ACMG/AMP sequence variant interpretation guidelines (Richards et al. 2015 PMID: 25741868, with internal and published modifications).